The following is an entry in ClinVar:

ClinVar aggregate classification (germline): Pathogenic (1 of 4 stars; one submission).

Submission:

Labcorp Genetics (formerly Invitae), Labcorp
Classification: Pathogenic. Last evaluated: 2023-04-28. Review status: criteria provided, single submitter. Criteria: Invitae Variant Classification Sherloc (09022015). Collection method: clinical testing. Allele origin: unknown.
Comment: For these reasons, this variant has been classified as Pathogenic. This variant has not been reported in the literature in individuals affected with MICU1-related conditions. This variant is a gross deletion of the genomic region encompassing exon(s) 7 of the MICU1 gene. This deletion is out-of-frame, and is expected to create a premature termination codon and result in an absent or disrupted protein product. Loss-of-function variants in MICU1 are known to be pathogenic (PMID: 24336167).

Literature cited by the submitters: PubMed 24336167.

NC_000010.10:g.(?_74267893)_(74268047_?)del

Gene: MICU1 (mitochondrial calcium uptake 1; minus strand). Cytogenetic location: 10q22.1.
Variant type: Deletion.
Identifiers: ClinVar variation 3244973 (VCV003244973.1).